The following is an entry in ClinVar:

ClinVar aggregate classification (germline): Uncertain significance (1 of 4 stars; one submission).

Conditions:
Congenital myasthenic syndrome 8. Also called: Myasthenic syndrome, congenital, 8, with pre- and postsynaptic defects; MYASTHENIC SYNDROME, CONGENITAL, DUE TO AGRIN DEFICIENCY. Identifiers: Orphanet 590, MedGen C3808739, MONDO:0014052, OMIM 615120.

Allele frequency attached by ClinVar (database versions not stated): gnomAD 0.00001 and 0.00003; gnomAD exomes 0.00003 and 0.00005; TOPMed 0.00003; ExAC 0.00008.
gnomAD v4.1: 44 of 1,571,152 alleles (0.0028%); highest among the groups gnomAD compares: Middle Eastern, 0.05%; no homozygotes.

Submission:

Labcorp Genetics (formerly Invitae), Labcorp
Classification: Uncertain significance for Congenital myasthenic syndrome 8. Last evaluated: 2022-08-04. Review status: criteria provided, single submitter. Criteria: Invitae Variant Classification Sherloc (09022015). Collection method: clinical testing. Allele origin: germline.
Comment: This sequence change replaces proline, which is neutral and non-polar, with leucine, which is neutral and non-polar, at codon 1280 of the AGRN protein (p.Pro1280Leu). This variant is present in population databases (rs774023993, gnomAD 0.03%). This variant has not been reported in the literature in individuals affected with AGRN-related conditions. ClinVar contains an entry for this variant (Variation ID: 541174). Algorithms developed to predict the effect of missense changes on protein structure and function output the following: SIFT: "Deleterious"; PolyPhen-2: "Benign"; Align-GVGD: "Class C0". The leucine amino acid residue is found in multiple mammalian species, which suggests that this missense change does not adversely affect protein function. In summary, the available evidence is currently insufficient to determine the role of this variant in disease. Therefore, it has been classified as a Variant of Uncertain Significance.

NM_198576.4(AGRN):c.3839C>T (p.Pro1280Leu)

Gene: AGRN (agrin; plus strand). Cytogenetic location: 1p36.33.
Variant type: single nucleotide variant.
Coding change: c.3839C>T on transcript NM_198576.4 (MANE Select); coding-DNA position 3839, C replaced by T.
Protein change: p.Pro1280Leu; replaces proline 1280 with leucine.
Molecular consequence: missense variant.
Genome position (GRCh38, 1-based): chr1:1,048,099, C>T. VCF-style: chr1-1048099-C-T. GRCh37 (hg19) VCF-style: chr1-983479-C-T.
Other names: c.3839C>T, p.Pro1280Leu (NM_001305275.2); c.3524C>T, p.Pro1175Leu (NM_001364727.2); short protein forms P1280L, P1175L.
Identifiers: ClinVar variation 541174 (VCV000541174.4), dbSNP rs774023993, ClinGen allele CA509257.